The following is an entry in ClinVar:

NM_001283009.2(RTEL1):c.2768A>G (p.Lys923Arg)

Genes: RTEL1 (regulator of telomere elongation helicase 1; plus strand), RTEL1-TNFRSF6B (RTEL1-TNFRSF6B readthrough (NMD candidate); plus strand). Cytogenetic location: 20q13.33.
Variant type: single nucleotide variant.
Coding change: c.2768A>G on transcript NM_001283009.2 (MANE Select); coding-DNA position 2768, A replaced by G.
Protein change: p.Lys923Arg; replaces lysine 923 with arginine.
Molecular consequence: missense variant. On other transcripts: non-coding transcript variant (1).
Genome position (GRCh38, 1-based): chr20:63,692,920, A>G. VCF-style: chr20-63692920-A-G. GRCh37 (hg19) VCF-style: chr20-62324273-A-G.
Other names: c.2099A>G, p.Lys700Arg (NM_001283010.1); c.2768A>G, p.Lys923Arg (NM_016434.4); c.2840A>G, p.Lys947Arg (NM_032957.5); short protein forms K923R, K700R, K947R.
Identifiers: ClinVar variation 4157580 (VCV004157580.1).
Genomic context (GRCh38, chr20:63,692,920, plus strand): 5'-TGAAGCAGGAGTTGAGCCAAGCCAACTTTGCCACCTTCACCCAGGCCCTGCAGGACTACA[A>G]GGGTTCCGATGACTTCGCCGCCCTGGCCGCCTGTCTCGGCCCCCTCTTTGCTGAGGACCC-3'
Protein context (NP_001269938.1, residues 913-933): ATFTQALQDY[Lys923Arg]GSDDFAALAA

ClinVar aggregate classification (germline): Uncertain significance (1 of 4 stars; one submission).

Conditions:
Inborn genetic diseases. Identifiers: MedGen C0950123, MeSH D030342.

gnomAD v4.1: 1 of 1,612,672 alleles (0.000062%); highest among the groups gnomAD compares: Non-Finnish European, 0.000085%; no homozygotes.

Submission:

Ambry Genetics
Classification: Uncertain significance for Inborn genetic diseases. Last evaluated: 2025-06-30. Review status: criteria provided, single submitter. Criteria: Ambry Variant Classification Scheme 2023. Collection method: clinical testing. Allele origin: germline.
Comment: The p.K923R variant (also known as c.2768A>G), located in coding exon 28 of the RTEL1 gene, results from an A to G substitution at nucleotide position 2768. The lysine at codon 923 is replaced by arginine, an amino acid with highly similar properties. This amino acid position is conserved. In addition, this alteration is predicted to be tolerated by in silico analysis. Based on the available evidence, the clinical significance of this variant remains unclear.